The following is an entry in ClinVar:

NM_001375808.2(LPIN2):c.1204_1205dup (p.Asp402fs)

Gene: LPIN2 (lipin 2; minus strand). Cytogenetic location: 18p11.31.
Variant type: Duplication.
Coding change: c.1204_1205dup on transcript NM_001375808.2 (MANE Select); coding-DNA positions 1204 to 1205, 2 bases duplicated (GA; older notation c.1204_1205dupGA).
Protein change: p.Asp402fs; shifts the reading frame from aspartic acid 402.
Molecular consequence: frameshift variant.
Genome position (GRCh38, 1-based): chr18:2,934,414-2,934,415, TC duplicated on the plus strand (GA on the coding strand, the reverse complement: LPIN2 is on the minus strand). VCF-style (leftmost placement, unchanged base first): chr18-2934413-A-ATC. GRCh37 (hg19) VCF-style: chr18-2934411-A-ATC.
Other names: c.1204_1205dup, p.Asp402fs (NM_001375809.1, NM_014646.2); c.1204_1205dupGA (NM_014646.2); short protein forms D402fs.
Identifiers: ClinVar variation 1694293 (VCV001694293.5), dbSNP rs779553737, ClinGen allele CA8873169.
Genomic context (GRCh38, chr18:2,934,413, plus strand): 5'-TTTAGGGAAATAAAGAGCTGCAACTTCAGGTTCTAGACCCTTTAAGTCATCAAGGTAAAT[A>ATC]TCATCAGGTCCCTGGTGTTGGCTTCTTTTGTGAACACCTGTTTAAAAAAAAAATCAGAGG-3'

ClinVar aggregate classification (germline): Pathogenic/Likely pathogenic. Review status: criteria provided, multiple submitters, no conflicts (2 of 4 stars). 2 submissions from 2 submitters: Pathogenic (1); Likely pathogenic (1). Last evaluated 2024-12-16.

Conditions:
Autoinflammatory syndrome. Identifiers: Orphanet 93665, MedGen C3890737, MONDO:0019751.
Majeed syndrome (MJDS). Also called: CHRONIC RECURRENT MULTIFOCAL OSTEOMYELITIS 1, WITH CONGENITAL DYSERYTHROPOIETIC ANEMIA, WITH OR WITHOUT NEUTROPHILIC DERMATOSIS; LPIN2-Related Majeed Syndrome. Identifiers: Orphanet 77297, MedGen C1864997, MONDO:0012316, OMIM 609628.

Allele frequency attached by ClinVar (database versions not stated): gnomAD exomes below 0.00001; ExAC 0.00001; gnomAD 0.00001; TOPMed 0.00001; ESP Exome Variant Server 0.00008.

Submissions (2):

Labcorp Genetics (formerly Invitae), Labcorp
Classification: Pathogenic for Majeed syndrome. Last evaluated: 2024-12-16. Review status: criteria provided, single submitter. Criteria: Invitae Variant Classification Sherloc (09022015). Collection method: clinical testing. Allele origin: germline.
Comment: This sequence change creates a premature translational stop signal (p.Asp402Glufs*8) in the LPIN2 gene. It is expected to result in an absent or disrupted protein product. Loss-of-function variants in LPIN2 are known to be pathogenic (PMID: 15994876, 23087183). This variant is present in population databases (rs779553737, gnomAD 0.0009%). This variant has not been reported in the literature in individuals affected with LPIN2-related conditions. ClinVar contains an entry for this variant (Variation ID: 1694293). For these reasons, this variant has been classified as Pathogenic.

Genome Diagnostics Laboratory, The Hospital for Sick Children
Classification: Likely pathogenic for Autoinflammatory syndrome. Last evaluated: 2017-10-02. Review status: criteria provided, single submitter. Criteria: ACMG Guidelines, 2015. Collection method: clinical testing. Allele origin: germline. Affected: yes.

Literature cited by the submitters: PubMed 15994876 (cited by Labcorp Genetics (formerly Invitae), Labcorp); PubMed 23087183 (cited by Labcorp Genetics (formerly Invitae), Labcorp).